The following is an entry in ClinVar:

ClinVar aggregate classification (germline): Uncertain significance (1 of 4 stars; one submission).

Conditions:
Retinitis pigmentosa 60 (RP60). Also called: PRPF 6-Related Retinitis Pigmentosa. Identifiers: Orphanet 791, MedGen C3151434, MONDO:0013516, OMIM 613983.

gnomAD v4.1: 1 of 1,613,956 alleles (0.000062%); highest among the groups gnomAD compares: South Asian, 0.0011%; no homozygotes.

Submission:

3billion
Classification: Uncertain significance for Retinitis pigmentosa 60. Last evaluated: 2025-05-19. Review status: criteria provided, single submitter. Criteria: ACMG Guidelines, 2015. Collection method: clinical testing. Allele origin: germline. Affected: yes.
Comment: The variant is observed at an extremely low frequency in the gnomAD v4.1.0 dataset (total allele frequency: <0.001%). Predicted Consequence/Location: Missense variant In silico tool predictions suggest no damaging effect of the variant on gene or gene product [REVEL: 0.34 (<0.4); 3Cnet: 0.00 (<0.1, specificity 0.84 and negative predicitive value 0.97)]. Therefore, this variant is classified as VUS according to the recommendation of ACMG/AMP guideline.

NM_012469.4(PRPF6):c.1768C>T (p.Arg590Trp)

Gene: PRPF6 (pre-mRNA processing factor 6; plus strand). Cytogenetic location: 20q13.33.
Variant type: single nucleotide variant.
Coding change: c.1768C>T on transcript NM_012469.4 (MANE Select); coding-DNA position 1768, C replaced by T.
Protein change: p.Arg590Trp; replaces arginine 590 with tryptophan.
Molecular consequence: missense variant.
Genome position (GRCh38, 1-based): chr20:64,022,877, C>T. VCF-style: chr20-64022877-C-T. GRCh37 (hg19) VCF-style: chr20-62654230-C-T.
Other names: short protein forms R590W.
Identifiers: ClinVar variation 4853969 (VCV004853969.1).
Genomic context (GRCh38, chr20:64,022,877, plus strand): 5'-TTCCCCAGCAAGAAGAGTGTGTGGCTGCGCGCCGCGTACTTCGAGAAGAACCATGGCACT[C>T]GGTATGTGGTGGGACCCGCCTGCCCAAGGGTGCTAATGAAACCTCCAGCTCCATTTGTGT-3'
Protein context (NP_036601.2, residues 580-600): AAYFEKNHGT[Arg590Trp]ESLEALLQRA